The following is an entry in ClinVar:

NM_001330078.2(NRXN1):c.193_195dup (p.Gly65_Leu66insGly)

Gene: NRXN1 (neurexin 1; minus strand). Cytogenetic location: 2p16.3.
Variant type: Duplication.
Coding change: c.193_195dup on transcript NM_001330078.2 (MANE Select); coding-DNA positions 193 to 195, 3 bases duplicated (GGC; older notation c.193_195dupGGC).
Protein change: p.Gly65_Leu66insGly.
Molecular consequence: inframe insertion.
Genome position (GRCh38, 1-based): chr2:51,028,079-51,028,081, GCC duplicated on the plus strand (GGC on the coding strand, the reverse complement: NRXN1 is on the minus strand); duplicating any 3 consecutive bases within chr2:51,028,079-51,028,083 gives the same sequence; the c. name uses the placement nearest the transcript's 3' end. VCF-style (leftmost placement, unchanged base first): chr2-51028078-G-GGCC. GRCh37 (hg19) VCF-style: chr2-51255216-G-GGCC.
Other names: c.193_195dup, p.Gly65_Leu66insGly (NM_001135659.3, NM_001330077.2, NM_001330079.2 and 15 more transcripts).
Identifiers: ClinVar variation 2002930 (VCV002002930.4), dbSNP rs2468082919, ClinGen allele CA2580067358.
Genomic context (GRCh38, chr2:51,028,078, plus strand): 5'-CGCGCGTCAGAATCAGCTCCAGGAAGTCGCAGAAGCCCTCGTCGTCGAAGTAGAGCACGA[G>GGCC]GCCGCGGGCGCTGCGAGTCTTGAGCTGGAAGCTCATCTCGCTCTCGCAGCAGGCGTTCCA-3'

ClinVar aggregate classification (germline): Uncertain significance (1 of 4 stars; one submission).

Conditions:
Pitt-Hopkins-like syndrome 2 (PTHSL2). Identifiers: Orphanet 221150, Orphanet 600663, MedGen C3280479, MONDO:0013690, OMIM 614325.

Submission:

Labcorp Genetics (formerly Invitae), Labcorp
Classification: Uncertain significance for Pitt-Hopkins-like syndrome 2. Last evaluated: 2022-06-07. Review status: criteria provided, single submitter. Criteria: Invitae Variant Classification Sherloc (09022015). Collection method: clinical testing. Allele origin: germline.
Comment: This variant, c.193_195dup, results in the insertion of 1 amino acid(s) of the NRXN1 protein (p.Gly65dup), but otherwise preserves the integrity of the reading frame. This variant is not present in population databases (gnomAD no frequency). This variant has not been reported in the literature in individuals affected with NRXN1-related conditions. In summary, the available evidence is currently insufficient to determine the role of this variant in disease. Therefore, it has been classified as a Variant of Uncertain Significance.